The following is an entry in ClinVar:

NM_006929.5(SKIC2):c.236+5G>A

Gene: SKIC2 (SKI2 subunit of superkiller complex; plus strand). Cytogenetic location: 6p21.33.
Variant type: single nucleotide variant.
Coding change: c.236+5G>A on transcript NM_006929.5 (MANE Select); 5 bases into the intron after coding-DNA position 236, G replaced by A.
Molecular consequence: intron variant.
Genome position (GRCh38, 1-based): chr6:31,960,124, G>A. VCF-style: chr6-31960124-G-A. GRCh37 (hg19) VCF-style: chr6-31927901-G-A.
Identifiers: ClinVar variation 1514190 (VCV001514190.4), dbSNP rs752574755, ClinGen allele CA3729085.

ClinVar aggregate classification (germline): Uncertain significance (1 of 4 stars; one submission).

Allele frequency attached by ClinVar (database versions not stated): gnomAD exomes below 0.00001 and 0.00002; ExAC 0.00003; gnomAD 0.00003 and 0.00004; TOPMed 0.00004.
gnomAD v4.1: 10 of 1,611,146 alleles (0.00062%); highest among the groups gnomAD compares: African/African-American, 0.011%; no homozygotes.

Submission:

Labcorp Genetics (formerly Invitae), Labcorp
Classification: Uncertain significance. Last evaluated: 2024-11-18. Review status: criteria provided, single submitter. Criteria: Invitae Variant Classification Sherloc (09022015). Collection method: clinical testing. Allele origin: germline.
Comment: This sequence change falls in intron 3 of the SKIV2L gene. It does not directly change the encoded amino acid sequence of the SKIV2L protein. It affects a nucleotide within the consensus splice site. This variant is present in population databases (rs752574755, gnomAD 0.03%). This variant has not been reported in the literature in individuals affected with SKIV2L-related conditions. ClinVar contains an entry for this variant (Variation ID: 1514190). Variants that disrupt the consensus splice site are a relatively common cause of aberrant splicing (PMID: 17576681, 9536098). Algorithms developed to predict the effect of sequence changes on RNA splicing suggest that this variant may disrupt the consensus splice site. In summary, the available evidence is currently insufficient to determine the role of this variant in disease. Therefore, it has been classified as a Variant of Uncertain Significance.

Literature cited by the submitters: PubMed 17576681; PubMed 9536098.